The following is an entry in ClinVar:

ClinVar aggregate classification (germline): Uncertain significance (1 of 4 stars; one submission).

gnomAD v4.1: 5 of 1,614,160 alleles (0.00031%); highest among the groups gnomAD compares: Non-Finnish European, 0.00042%; no homozygotes.

Submission:

GeneDx
Classification: Uncertain significance. Last evaluated: 2023-06-29. Review status: criteria provided, single submitter. Criteria: GeneDx Variant Classification Process June 2021. Collection method: clinical testing. Allele origin: germline. Affected: yes.
Comment: Has not been previously published as pathogenic or benign to our knowledge; Not observed at significant frequency in large population cohorts (gnomAD); In silico analysis supports that this missense variant does not alter protein structure/function

NM_138927.4(SON):c.62A>G (p.Gln21Arg)

Gene: SON (SON DNA and RNA binding protein; plus strand). Cytogenetic location: 21q22.11.
Variant type: single nucleotide variant.
Coding change: c.62A>G on transcript NM_138927.4 (MANE Select); coding-DNA position 62, A replaced by G.
Protein change: p.Gln21Arg; replaces glutamine 21 with arginine.
Molecular consequence: missense variant. On other transcripts: non-coding transcript variant (1).
Genome position (GRCh38, 1-based): chr21:33,543,154, A>G. VCF-style: chr21-33543154-A-G. GRCh37 (hg19) VCF-style: chr21-34915460-A-G.
Other names: c.62A>G, p.Gln21Arg (NM_001291411.2, NM_001291412.3, NM_032195.3); short protein forms Q21R.
Identifiers: ClinVar variation 3360550 (VCV003360550.1).